The following is an entry in ClinVar:

NM_145038.5(DRC1):c.1263G>C (p.Arg421Ser)

Gene: DRC1 (dynein regulatory complex subunit 1; plus strand). Cytogenetic location: 2p23.3.
Variant type: single nucleotide variant.
Coding change: c.1263G>C on transcript NM_145038.5 (MANE Select); coding-DNA position 1263, G replaced by C.
Protein change: p.Arg421Ser; replaces arginine 421 with serine.
Molecular consequence: missense variant.
Genome position (GRCh38, 1-based): chr2:26,444,815, G>C. VCF-style: chr2-26444815-G-C. GRCh37 (hg19) VCF-style: chr2-26667683-G-C.
Other names: short protein forms R421S.
Identifiers: ClinVar variation 1511488 (VCV001511488.6), dbSNP rs778963656, ClinGen allele CA1562185.

ClinVar aggregate classification (germline): Uncertain significance (1 of 4 stars; one submission).

Conditions:
Primary ciliary dyskinesia. Also called: Ciliary dyskinesia. Identifiers: Orphanet 244, MedGen C0008780, MONDO:0016575, HP:0012265.

gnomAD v4.1: 1 of 1,614,176 alleles (0.000062%); highest among the groups gnomAD compares: Non-Finnish European, 0.000085%; no homozygotes.

Submission:

Labcorp Genetics (formerly Invitae), Labcorp
Classification: Uncertain significance for Primary ciliary dyskinesia. Last evaluated: 2021-12-02. Review status: criteria provided, single submitter. Criteria: Invitae Variant Classification Sherloc (09022015). Collection method: clinical testing. Allele origin: germline.
Comment: This sequence change replaces arginine, which is basic and polar, with serine, which is neutral and polar, at codon 421 of the DRC1 protein (p.Arg421Ser). This variant is present in population databases (rs778963656, gnomAD 0.0009%). This variant has not been reported in the literature in individuals affected with DRC1-related conditions. Algorithms developed to predict the effect of missense changes on protein structure and function (SIFT, PolyPhen-2, Align-GVGD) all suggest that this variant is likely to be tolerated. In summary, the available evidence is currently insufficient to determine the role of this variant in disease. Therefore, it has been classified as a Variant of Uncertain Significance.